The following is an entry in ClinVar:

ClinVar aggregate classification (germline): Uncertain significance. Review status: criteria provided, multiple submitters, no conflicts (2 of 4 stars). 4 submissions from 4 submitters: Uncertain significance (4). Last evaluated 2025-12-30.

Conditions:
Leukoencephalopathy with mild cerebellar ataxia and white matter edema (LKPAT). Also called: Leukoencephalopathy with ataxia; Leukoencephalopathy with white matter edema; Brain white matter edema; CLCN2-Related Leukoencephalopathy. Identifiers: Orphanet 363540, MedGen C4554120, MONDO:0014292, OMIM 615651. Disease mechanism: loss of function.
Familial hyperaldosteronism type II. Also called: FH II. Identifiers: Orphanet 404, MedGen C1854107, MONDO:0011576, OMIM 605635.
Epilepsy, idiopathic generalized, susceptibility to, 11 (EIG11). Identifiers: Orphanet 307, MedGen C2750893, MONDO:0011875, OMIM 607628.
Inborn genetic diseases. Identifiers: MedGen C0950123, MeSH D030342.

Allele frequency attached by ClinVar (database versions not stated): ExAC 0.00001; gnomAD exomes 0.00002 and 0.00004; gnomAD 0.00006 and 0.00007; TOPMed 0.00006; ESP Exome Variant Server 0.00008.
gnomAD v4.1: 72 of 1,608,490 alleles (0.0045%); highest among the groups gnomAD compares: Middle Eastern, 0.033%; no homozygotes.

Submissions (4):

Labcorp Genetics (formerly Invitae), Labcorp
Classification: Uncertain significance. Last evaluated: 2025-12-30. Review status: criteria provided, single submitter. Criteria: Invitae Variant Classification Sherloc (09022015). Collection method: clinical testing. Allele origin: germline.
Comment: This sequence change replaces arginine, which is basic and polar, with glutamine, which is neutral and polar, at codon 645 of the CLCN2 protein (p.Arg645Gln). This variant is present in population databases (rs375401465, gnomAD 0.004%). This variant has not been reported in the literature in individuals affected with CLCN2-related conditions. ClinVar contains an entry for this variant (Variation ID: 1028738). Invitae Evidence Modeling of protein sequence and biophysical properties (such as structural, functional, and spatial information, amino acid conservation, physicochemical variation, residue mobility, and thermodynamic stability) indicates that this missense variant is not expected to disrupt CLCN2 protein function with a negative predictive value of 80%. In summary, the available evidence is currently insufficient to determine the role of this variant in disease. Therefore, it has been classified as a Variant of Uncertain Significance.

Ambry Genetics
Classification: Uncertain significance for Inborn genetic diseases. Last evaluated: 2025-08-01. Review status: criteria provided, single submitter. Criteria: Ambry Variant Classification Scheme 2023. Collection method: clinical testing. Allele origin: germline.

Fulgent Genetics
Classification: Uncertain significance for Familial hyperaldosteronism type II; Epilepsy, idiopathic generalized, susceptibility to, 11; Leukoencephalopathy with mild cerebellar ataxia and white matter edema. Last evaluated: 2024-05-09. Review status: criteria provided, single submitter. Criteria: ACMG Guidelines, 2015. Collection method: clinical testing. Allele origin: germline.

Baylor Genetics
Classification: Uncertain significance for Familial hyperaldosteronism type II. Last evaluated: 2019-04-11. Review status: criteria provided, single submitter. Criteria: ACMG Guidelines, 2015. Collection method: clinical testing. Allele origin: maternal. Affected: yes.
Comment: This variant was determined to be of uncertain significance according to ACMG Guidelines, 2015 [PMID:25741868].

NM_004366.6(CLCN2):c.1934G>A (p.Arg645Gln)

Gene: CLCN2 (chloride voltage-gated channel 2; minus strand). Cytogenetic location: 3q27.1.
Variant type: single nucleotide variant.
Coding change: c.1934G>A on transcript NM_004366.6 (MANE Select); coding-DNA position 1934, G replaced by A.
Protein change: p.Arg645Gln; replaces arginine 645 with glutamine.
Molecular consequence: missense variant.
Genome position (GRCh38, 1-based): chr3:184,353,344, C>T on the plus strand (G>A on the coding strand, the complement: CLCN2 is on the minus strand). VCF-style: chr3-184353344-C-T. GRCh37 (hg19) VCF-style: chr3-184071132-C-T.
Other names: c.1883G>A, p.Arg628Gln (NM_001171087.3); c.1802G>A, p.Arg601Gln (NM_001171088.3); c.1934G>A, p.Arg645Gln (NM_001171089.3); c.1934G>A (NM_004366.4); short protein forms R601Q, R628Q, R645Q.
Identifiers: ClinVar variation 1028738 (VCV001028738.7), dbSNP rs375401465, ClinGen allele CA2733935.